The following is an entry in ClinVar:

ClinVar aggregate classification (germline): Uncertain significance. Review status: criteria provided, multiple submitters, no conflicts (2 of 4 stars). 2 submissions from 2 submitters: Uncertain significance (2). Last evaluated 2026-02-09.

Conditions:
Neuroblastoma, susceptibility to, 3. Also called: ALK-Related Neuroblastic Tumor Susceptibility. Identifiers: Orphanet 635, MedGen C2751681, MONDO:0013083, OMIM 613014.
Hereditary cancer-predisposing syndrome. Also called: Tumor predisposition; Hereditary Cancer Syndrome; Hereditary neoplastic syndrome; Neoplastic Syndromes, Hereditary. Identifiers: Orphanet 140162, MedGen C0027672, MeSH D009386, MONDO:0015356.

Submissions (2):

Ambry Genetics
Classification: Uncertain significance for Hereditary cancer-predisposing syndrome. Last evaluated: 2026-02-09. Review status: criteria provided, single submitter. Criteria: Ambry Variant Classification Scheme 2023. Collection method: clinical testing. Allele origin: germline.
Comment: The p.W883C variant (also known as c.2649G>C), located in coding exon 16 of the ALK gene, results from a G to C substitution at nucleotide position 2649. The tryptophan at codon 883 is replaced by cysteine, an amino acid with highly dissimilar properties. This amino acid position is highly conserved in available vertebrate species. In addition, the in silico prediction for this alteration is inconclusive. Based on the available evidence, the clinical significance of this variant remains unclear.

Baylor Genetics
Classification: Uncertain significance for Neuroblastoma, susceptibility to, 3. Last evaluated: 2023-12-11. Review status: criteria provided, single submitter. Criteria: ACMG Guidelines, 2015. Collection method: clinical testing. Allele origin: unknown.

NM_004304.5(ALK):c.2649G>C (p.Trp883Cys)

Gene: ALK (ALK receptor tyrosine kinase; minus strand). Cytogenetic location: 2p23.2.
Variant type: single nucleotide variant.
Coding change: c.2649G>C on transcript NM_004304.5 (MANE Select); coding-DNA position 2649, G replaced by C.
Protein change: p.Trp883Cys; replaces tryptophan 883 with cysteine.
Molecular consequence: missense variant.
Genome position (GRCh38, 1-based): chr2:29,229,050, C>G on the plus strand (G>C on the coding strand, the complement: ALK is on the minus strand). VCF-style: chr2-29229050-C-G. GRCh37 (hg19) VCF-style: chr2-29451916-C-G.
Other names: c.2649G>C (NM_004304.4); short protein forms W883C.
Identifiers: ClinVar variation 3241758 (VCV003241758.2), dbSNP rs2465978422.